The following is an entry in ClinVar:

ClinVar aggregate classification (germline): Uncertain significance. Review status: criteria provided, multiple submitters, no conflicts (2 of 4 stars). 2 submissions from 2 submitters: Uncertain significance (2). Last evaluated 2023-11-29.

Allele frequency attached by ClinVar (database versions not stated): gnomAD exomes below 0.00001.
gnomAD v4.1: 1 of 1,211,720 alleles (0.000083%); highest among the groups gnomAD compares: Non-Finnish European, 0.00011%; no homozygotes.

Submissions (2):

Blueprint Genetics
Classification: Uncertain significance. Last evaluated: 2023-11-29. Review status: criteria provided, single submitter. Criteria: ACMG Guidelines, 2015. Collection method: clinical testing. Allele origin: germline.

CeGaT Center for Human Genetics Tuebingen
Classification: Uncertain significance. Last evaluated: 2023-05-01. Review status: criteria provided, single submitter. Criteria: CeGaT Center For Human Genetics Tuebingen Variant Classification Criteria Version 2. Collection method: clinical testing. Allele origin: germline. Affected: yes. Observed: 1 variant allele.
Comment: AFF2: PM2, BP4

NM_002025.4(AFF2):c.2171A>T (p.Gln724Leu)

Gene: AFF2 (ALF transcription elongation factor 2; plus strand). Cytogenetic location: Xq28.
Variant type: single nucleotide variant.
Coding change: c.2171A>T on transcript NM_002025.4 (MANE Select); coding-DNA position 2171, A replaced by T.
Protein change: p.Gln724Leu; replaces glutamine 724 with leucine.
Molecular consequence: missense variant.
Genome position (GRCh38, 1-based): chrX:148,956,216, A>T. VCF-style: chrX-148956216-A-T. GRCh37 (hg19) VCF-style: chrX-148037746-A-T.
Other names: c.2072A>T, p.Gln691Leu (NM_001169122.2); c.2141A>T, p.Gln714Leu (NM_001169123.2); c.2066A>T, p.Gln689Leu (NM_001169124.2); c.2054A>T, p.Gln685Leu (NM_001169125.2); c.1094A>T, p.Gln365Leu (NM_001170628.1); short protein forms Q365L, Q685L, Q689L, Q691L, Q714L, Q724L.
Identifiers: ClinVar variation 2661608 (VCV002661608.25), dbSNP rs2521894527, ClinGen allele CA414514396.
Genomic context (GRCh38, chrX:148,956,216, plus strand): 5'-TGCCAAAGTCTCGGGAATTCATTGAAACAGATTCATCTACATCTGACTCCAACACAGATC[A>T]GGAAGAGACCCTGCAAATCAAAGTCCTGCCTCCGTGCATTATTTCTGGAGGTAATACTGC-3'
Protein context (NP_002016.2, residues 714-734): DSSTSDSNTD[Gln724Leu]EETLQIKVLP